The following is an entry in ClinVar:

NM_000321.3(RB1):c.501-15T>C

Gene: RB1 (RB transcriptional corepressor 1; plus strand). Cytogenetic location: 13q14.2.
Variant type: single nucleotide variant.
Coding change: c.501-15T>C on transcript NM_000321.3 (MANE Select); 15 bases into the intron before coding-DNA position 501, T replaced by C.
Molecular consequence: intron variant.
Genome position (GRCh38, 1-based): chr13:48,347,810, T>C. VCF-style: chr13-48347810-T-C. GRCh37 (hg19) VCF-style: chr13-48921946-T-C.
Identifiers: ClinVar variation 1607586 (VCV001607586.9), dbSNP rs2138091494, ClinGen allele CA2502576549.

ClinVar aggregate classification (germline): Likely benign. Review status: criteria provided, multiple submitters, no conflicts (2 of 4 stars). 2 submissions from 2 submitters: Likely benign (2). Last evaluated 2026-06-18.

Conditions:
Retinoblastoma (RB1). Also called: RETINOBLASTOMA, SOMATIC. Identifiers: Orphanet 790, MedGen C0035335, MeSH D012175, MONDO:0008380, OMIM 180200, HP:0009919. Disease mechanism: loss of function. Inheritance: Both sporadic and heritable forms are tested..

Submissions (2):

Myriad Genetics, Inc.
Classification: Likely benign for Retinoblastoma. Last evaluated: 2026-06-18. Review status: criteria provided, single submitter. Criteria: Myriad Autosomal Dominant, Autosomal Recessive and X-Linked Classification Criteria (2023). Collection method: clinical testing. Allele origin: unknown.
Comment: This variant is considered likely benign. This variant is intronic and is not expected to impact mRNA splicing.

Labcorp Genetics (formerly Invitae), Labcorp
Classification: Likely benign for Retinoblastoma. Last evaluated: 2023-01-02. Review status: criteria provided, single submitter. Criteria: Invitae Variant Classification Sherloc (09022015). Collection method: clinical testing. Allele origin: germline.